The following is an entry in ClinVar:

NM_022089.4(ATP13A2):c.3040G>C (p.Gly1014Arg)

Gene: ATP13A2 (ATPase cation transporting 13A2; minus strand). Cytogenetic location: 1p36.13.
Variant type: single nucleotide variant.
Coding change: c.3040G>C on transcript NM_022089.4 (MANE Select); coding-DNA position 3040, G replaced by C.
Protein change: p.Gly1014Arg; replaces glycine 1014 with arginine.
Molecular consequence: missense variant.
Genome position (GRCh38, 1-based): chr1:16,987,089, C>G on the plus strand (G>C on the coding strand, the complement: ATP13A2 is on the minus strand). VCF-style: chr1-16987089-C-G. GRCh37 (hg19) VCF-style: chr1-17313584-C-G.
Other names: c.3025G>C, p.Gly1009Arg (NM_001141973.3); c.2908G>C, p.Gly970Arg (NM_001141974.3); short protein forms G1014R, G970R, G1009R.
Identifiers: ClinVar variation 1964362 (VCV001964362.3), dbSNP rs202166353, ClinGen allele CA338234517.
Genomic context (GRCh38, chr1:16,987,089, plus strand): 5'-GTCAGCTCCCTACTCACCATGGCTGGGCCAGGGTCAGGAAGTAGCCCCCTAGCTGCACGC[C>G]GGTCACCAGGACCATCTGCAGCAGCAGGCTGCTGAGCACGGGCACGCTGAGCAGCGCCCC-3'
Protein context (NP_071372.1, residues 1004-1024): SLLLQMVLVT[Gly1014Arg]VQLGGYFLTL

ClinVar aggregate classification (germline): Uncertain significance (1 of 4 stars; one submission).

Conditions:
Autosomal recessive spastic paraplegia type 78. Identifiers: Orphanet 513436, MedGen C5567893, MONDO:0014975, OMIM 617225.
Kufor-Rakeb syndrome (KRS). Also called: PARKINSON DISEASE 9, AUTOSOMAL RECESSIVE, JUVENILE-ONSET. Identifiers: Orphanet 306674, Orphanet 314632, MedGen C1847640, MONDO:0011706, OMIM 606693.

gnomAD v4.1: 2 of 1,613,428 alleles (0.00012%); highest among the groups gnomAD compares: Non-Finnish European, 0.00017%; no homozygotes.

Submission:

Labcorp Genetics (formerly Invitae), Labcorp
Classification: Uncertain significance for Kufor-Rakeb syndrome; Autosomal recessive spastic paraplegia type 78. Last evaluated: 2022-06-29. Review status: criteria provided, single submitter. Criteria: Invitae Variant Classification Sherloc (09022015). Collection method: clinical testing. Allele origin: germline.
Comment: In summary, the available evidence is currently insufficient to determine the role of this variant in disease. Therefore, it has been classified as a Variant of Uncertain Significance. Advanced modeling of protein sequence and biophysical properties (such as structural, functional, and spatial information, amino acid conservation, physicochemical variation, residue mobility, and thermodynamic stability) performed at Invitae indicates that this missense variant is not expected to disrupt ATP13A2 protein function. This variant has not been reported in the literature in individuals affected with ATP13A2-related conditions. This variant is present in population databases (no rsID available, gnomAD 0.0009%). This sequence change replaces glycine, which is neutral and non-polar, with arginine, which is basic and polar, at codon 1014 of the ATP13A2 protein (p.Gly1014Arg).